The following is an entry in ClinVar:

NM_004360.5(CDH1):c.1337C>G (p.Ala446Gly)

Gene: CDH1 (cadherin 1; plus strand). Cytogenetic location: 16q22.1.
Variant type: single nucleotide variant.
Coding change: c.1337C>G on transcript NM_004360.5 (MANE Select); coding-DNA position 1337, C replaced by G.
Protein change: p.Ala446Gly; replaces alanine 446 with glycine.
Molecular consequence: missense variant. On other transcripts: 5 prime UTR variant (2).
Genome position (GRCh38, 1-based): chr16:68,815,531, C>G. VCF-style: chr16-68815531-C-G. GRCh37 (hg19) VCF-style: chr16-68849434-C-G.
Other names: c.1154C>G, p.Ala385Gly (NM_001317184.2); c.-212C>G (NM_001317185.2); c.-483C>G (NM_001317186.2); short protein forms A385G, A446G.
Identifiers: ClinVar variation 4798994 (VCV004798994.1).

ClinVar aggregate classification (germline): Uncertain significance (1 of 4 stars; one submission).

Conditions:
Hereditary diffuse gastric adenocarcinoma (HDGC). Also called: DIFFUSE GASTRIC AND LOBULAR BREAST CANCER SYNDROME. Identifiers: Orphanet 26106, MedGen C1708349, MONDO:0007648, OMIM 137215.

Submission:

Labcorp Genetics (formerly Invitae), Labcorp
Classification: Uncertain significance for Hereditary diffuse gastric adenocarcinoma. Last evaluated: 2026-01-14. Review status: criteria provided, single submitter. Criteria: Invitae Variant Classification Sherloc (09022015). Collection method: clinical testing. Allele origin: germline.
Comment: This sequence change replaces alanine, which is neutral and non-polar, with glycine, which is neutral and non-polar, at codon 446 of the CDH1 protein (p.Ala446Gly). This variant is not present in population databases (gnomAD no frequency). This variant has not been reported in the literature in individuals affected with CDH1-related conditions. An algorithm developed to predict the effect of missense changes on protein structure and function (PolyPhen-2) suggests that this variant is likely to be tolerated. In summary, the available evidence is currently insufficient to determine the role of this variant in disease. Therefore, it has been classified as a Variant of Uncertain Significance.